The following is an entry in ClinVar:

ClinVar aggregate classification (germline): Uncertain significance (1 of 4 stars; one submission).

Conditions:
Charcot-Marie-Tooth disease type 2. Also called: Charcot-Marie-Tooth type 2. Identifiers: Orphanet 64746, MedGen C0270914, MONDO:0018993.

Submission:

Labcorp Genetics (formerly Invitae), Labcorp
Classification: Uncertain significance for Charcot-Marie-Tooth disease type 2. Last evaluated: 2024-09-08. Review status: criteria provided, single submitter. Criteria: Invitae Variant Classification Sherloc (09022015). Collection method: clinical testing. Allele origin: germline.
Comment: This sequence change replaces proline, which is neutral and non-polar, with arginine, which is basic and polar, at codon 362 of the AARS protein (p.Pro362Arg). This variant is present in population databases (no rsID available, gnomAD 0.0009%). This variant has not been reported in the literature in individuals affected with AARS-related conditions. Invitae Evidence Modeling of protein sequence and biophysical properties (such as structural, functional, and spatial information, amino acid conservation, physicochemical variation, residue mobility, and thermodynamic stability) has been performed for this missense variant. However, the output from this modeling did not meet the statistical confidence thresholds required to predict the impact of this variant on AARS protein function. In summary, the available evidence is currently insufficient to determine the role of this variant in disease. Therefore, it has been classified as a Variant of Uncertain Significance.

NM_001605.3(AARS1):c.1085C>G (p.Pro362Arg)

Gene: AARS1 (alanyl-tRNA synthetase 1; minus strand). Cytogenetic location: 16q22.1.
Variant type: single nucleotide variant.
Coding change: c.1085C>G on transcript NM_001605.3 (MANE Select); coding-DNA position 1085, C replaced by G.
Protein change: p.Pro362Arg; replaces proline 362 with arginine.
Molecular consequence: missense variant.
Genome position (GRCh38, 1-based): chr16:70,267,796, G>C on the plus strand (C>G on the coding strand, the complement: AARS1 is on the minus strand). VCF-style: chr16-70267796-G-C. GRCh37 (hg19) VCF-style: chr16-70301699-G-C.
Other names: short protein forms P362R.
Identifiers: ClinVar variation 3708640 (VCV003708640.2).